The following is an entry in ClinVar:

ClinVar aggregate classification (germline): Uncertain significance (1 of 4 stars; one submission).

Submission:

GeneDx
Classification: Uncertain significance. Last evaluated: 2024-09-13. Review status: criteria provided, single submitter. Criteria: GeneDx Variant Classification Process June 2021. Collection method: clinical testing. Allele origin: germline. Affected: yes.
Comment: Not observed at significant frequency in large population cohorts (gnomAD); In silico analysis indicates that this missense variant does not alter protein structure/function; Has not been previously published as pathogenic or benign to our knowledge

NM_020987.5(ANK3):c.6169A>G (p.Lys2057Glu)

Gene: ANK3 (ankyrin 3; minus strand). Cytogenetic location: 10q21.2.
Variant type: single nucleotide variant.
Coding change: c.6169A>G on transcript NM_020987.5 (MANE Select); coding-DNA position 6169, A replaced by G.
Protein change: p.Lys2057Glu; replaces lysine 2057 with glutamic acid.
Molecular consequence: missense variant. On other transcripts: intron variant (4).
Genome position (GRCh38, 1-based): chr10:60,074,712, T>C on the plus strand (A>G on the coding strand, the complement: ANK3 is on the minus strand). VCF-style: chr10-60074712-T-C. GRCh37 (hg19) VCF-style: chr10-61834470-T-C.
Other names: c.4387+5825A>G (NM_001204403.2); c.4408+5825A>G (NM_001204404.2); c.4405+5825A>G (NM_001320874.2); c.1807+5825A>G (NM_001149.4); short protein forms K2057E.
Identifiers: ClinVar variation 3769666 (VCV003769666.1).